The following is an entry in ClinVar:

ClinVar aggregate classification (germline): Uncertain significance (1 of 4 stars; one submission).

Conditions:
Epilepsy, idiopathic generalized, susceptibility to, 13. Also called: EPILEPSY, JUVENILE MYOCLONIC, SUSCEPTIBILITY TO, 5. Identifiers: Orphanet 307, Orphanet 64280, MedGen C4013473, MONDO:0012627, OMIM 611136.
Epilepsy, childhood absence 4 (ECA4). Also called: EPILEPSY, CHILDHOOD ABSENCE, SUSCEPTIBILITY TO, 4. Identifiers: Orphanet 307, MedGen C1970160.
Idiopathic generalized epilepsy. Also called: Generalised epilepsy; EIG. Identifiers: MedGen C0270850, MONDO:0005579, OMIM 600669.

Allele frequency attached by ClinVar (database versions not stated): gnomAD exomes below 0.00001.
gnomAD v4.1: 2 of 1,614,112 alleles (0.00012%); highest among the groups gnomAD compares: Non-Finnish European, 0.00017%; no homozygotes.

Submission:

Labcorp Genetics (formerly Invitae), Labcorp
Classification: Uncertain significance for Epilepsy, childhood absence 4; Epilepsy, idiopathic generalized, susceptibility to, 13; Idiopathic generalized epilepsy. Last evaluated: 2022-08-17. Review status: criteria provided, single submitter. Criteria: Invitae Variant Classification Sherloc (09022015). Collection method: clinical testing. Allele origin: germline.
Comment: In summary, the available evidence is currently insufficient to determine the role of this variant in disease. Therefore, it has been classified as a Variant of Uncertain Significance. Algorithms developed to predict the effect of missense changes on protein structure and function (SIFT, PolyPhen-2, Align-GVGD) all suggest that this variant is likely to be tolerated. This variant has not been reported in the literature in individuals affected with GABRA1-related conditions. This variant is present in population databases (no rsID available, gnomAD 0.007%). This sequence change replaces isoleucine, which is neutral and non-polar, with threonine, which is neutral and polar, at codon 395 of the GABRA1 protein (p.Ile395Thr).

NM_001127644.2(GABRA1):c.1184T>C (p.Ile395Thr)

Gene: GABRA1 (gamma-aminobutyric acid type A receptor subunit alpha1; plus strand). Cytogenetic location: 5q34.
Variant type: single nucleotide variant.
Coding change: c.1184T>C on transcript NM_001127644.2 (MANE Select); coding-DNA position 1184, T replaced by C.
Protein change: p.Ile395Thr; replaces isoleucine 395 with threonine.
Molecular consequence: missense variant.
Genome position (GRCh38, 1-based): chr5:161,897,235, T>C. VCF-style: chr5-161897235-T-C. GRCh37 (hg19) VCF-style: chr5-161324241-T-C.
Other names: c.1184T>C, p.Ile395Thr (NM_000806.5, NM_001127643.2, NM_001127645.2 and 1 more transcripts); short protein forms I395T.
Identifiers: ClinVar variation 1716077 (VCV001716077.5), dbSNP rs1309328956, ClinGen allele CA362180833.
Genomic context (GRCh38, chr5:161,897,235, plus strand): 5'-ACACCCCTAATTTGGCCAGGGGCGACCCGGGCTTAGCCACCATTGCTAAAAGTGCAACCA[T>C]AGAACCTAAAGAGGTCAAGCCCGAAACAAAACCACCAGAACCCAAGAAAACCTTTAACAG-3'
Protein context (NP_001121116.1, residues 385-405): GLATIAKSAT[Ile395Thr]EPKEVKPETK